The following is an entry in ClinVar:

NM_020070.4(IGLL1):c.197G>T (p.Arg66Leu)

Gene: IGLL1 (immunoglobulin lambda like polypeptide 1; minus strand). Cytogenetic location: 22q11.23.
Variant type: single nucleotide variant.
Coding change: c.197G>T on transcript NM_020070.4 (MANE Select); coding-DNA position 197, G replaced by T.
Protein change: p.Arg66Leu; replaces arginine 66 with leucine.
Molecular consequence: missense variant.
Genome position (GRCh38, 1-based): chr22:23,579,994, C>A on the plus strand (G>T on the coding strand, the complement: IGLL1 is on the minus strand). VCF-style: chr22-23579994-C-A. GRCh37 (hg19) VCF-style: chr22-23922181-C-A.
Other names: c.197G>T, p.Arg66Leu (NM_001369906.1, NM_152855.3); short protein forms R66L.
Identifiers: ClinVar variation 836258 (VCV000836258.9), dbSNP rs569884568, ClinGen allele CA410899299.

ClinVar aggregate classification (germline): Uncertain significance (1 of 4 stars; one submission).

Conditions:
Agammaglobulinemia 2, autosomal recessive (AGM2). Also called: AGAMMAGLOBULINEMIA, AUTOSOMAL RECESSIVE, DUE TO IGLL1 DEFECT. Identifiers: MedGen C3150750, MONDO:0013287, OMIM 613500.

Submission:

Labcorp Genetics (formerly Invitae), Labcorp
Classification: Uncertain significance for Agammaglobulinemia 2, autosomal recessive. Last evaluated: 2019-04-15. Review status: criteria provided, single submitter. Criteria: Invitae Variant Classification Sherloc (09022015). Collection method: clinical testing. Allele origin: germline.
Comment: This sequence change replaces arginine with leucine at codon 66 of the IGLL1 protein (p.Arg66Leu). The arginine residue is weakly conserved and there is a moderate physicochemical difference between arginine and leucine. This variant is not present in population databases (ExAC no frequency). This variant has not been reported in the literature in individuals with IGLL1-related conditions. Algorithms developed to predict the effect of missense changes on protein structure and function (SIFT, PolyPhen-2, Align-GVGD) all suggest that this variant is likely to be tolerated, but these predictions have not been confirmed by published functional studies and their clinical significance is uncertain. In summary, the available evidence is currently insufficient to determine the role of this variant in disease. Therefore, it has been classified as a Variant of Uncertain Significance.